The following is an entry in ClinVar:

ClinVar aggregate classification (germline): Likely benign. Review status: criteria provided, multiple submitters, no conflicts (2 of 4 stars). 3 submissions from 3 submitters: Likely benign (3). Last evaluated 2025-12-19.

Conditions:
CIC-related disorder. Also called: CIC-related condition.

Allele frequency attached by ClinVar (database versions not stated): gnomAD 0.00014 and 0.00018; TOPMed 0.00020; gnomAD exomes 0.00028.

Submissions (3):

PreventionGenetics, part of Exact Sciences
Classification: Likely benign for CIC-related condition. Last evaluated: 2025-12-19. Review status: criteria provided, single submitter. Criteria: ACMG Guidelines, 2015. Collection method: clinical testing. Allele origin: germline.
Comment: This variant is classified as likely benign based on ACMG/AMP sequence variant interpretation guidelines (Richards et al. 2015 PMID: 25741868, with internal and published modifications).

CeGaT Center for Human Genetics Tuebingen
Classification: Likely benign. Last evaluated: 2023-02-01. Review status: criteria provided, single submitter. Criteria: CeGaT Center For Human Genetics Tuebingen Variant Classification Criteria Version 2. Collection method: clinical testing. Allele origin: germline. Affected: yes. Observed: 6 variant alleles.
Comment: CIC: BS2

Breakthrough Genomics
Classification: Likely benign. Review status: criteria provided, single submitter. Criteria: ACMG Guidelines, 2015. Collection method: not provided. Allele origin: germline. Inheritance: Autosomal dominant inheritance. Affected: yes.

NM_001386298.1(CIC):c.419G>A (p.Arg140Gln)

Gene: CIC (capicua transcriptional repressor; plus strand). Cytogenetic location: 19q13.2.
Variant type: single nucleotide variant.
Coding change: c.419G>A on transcript NM_001386298.1 (MANE Select); coding-DNA position 419, G replaced by A.
Protein change: p.Arg140Gln; replaces arginine 140 with glutamine.
Molecular consequence: missense variant.
Genome position (GRCh38, 1-based): chr19:42,272,202, G>A. VCF-style: chr19-42272202-G-A. GRCh37 (hg19) VCF-style: chr19-42776354-G-A.
Other names: c.419G>A (NM_001304815.1); c.419G>A, p.Arg140Gln (NM_001304815.2, NM_001379480.1, NM_001379482.1); short protein forms R140Q.
Identifiers: ClinVar variation 1335346 (VCV001335346.37), dbSNP rs529183042, ClinGen allele CA308614523.